The following is an entry in ClinVar:

NM_206538.4(EMC10):c.551C>G (p.Ser184Trp)

Gene: EMC10 (ER membrane protein complex subunit 10; plus strand). Cytogenetic location: 19q13.33.
Variant type: single nucleotide variant.
Coding change: c.551C>G on transcript NM_206538.4 (MANE Select); coding-DNA position 551, C replaced by G.
Protein change: p.Ser184Trp; replaces serine 184 with tryptophan.
Molecular consequence: missense variant.
Genome position (GRCh38, 1-based): chr19:50,480,729, C>G. VCF-style: chr19-50480729-C-G. GRCh37 (hg19) VCF-style: chr19-50983986-C-G.
Other names: c.551C>G (NM_206538.3); c.551C>G, p.Ser184Trp (NM_175063.6); short protein forms S184W.
Identifiers: ClinVar variation 3844589 (VCV003844589.2).

ClinVar aggregate classification (germline): Uncertain significance. Review status: criteria provided, multiple submitters, no conflicts (2 of 4 stars). 2 submissions from 2 submitters: Uncertain significance (2). Last evaluated 2025-10-17.

Conditions:
Inborn genetic diseases. Identifiers: MedGen C0950123, MeSH D030342.
EMC10-related disorder. Also called: EMC10-related condition.

gnomAD v4.1: 15 of 1,602,642 alleles (0.00094%); highest among the groups gnomAD compares: Middle Eastern, 0.099%; 1 homozygote.

Submissions (2):

PreventionGenetics, part of Exact Sciences
Classification: Uncertain significance for EMC10-related condition. Last evaluated: 2025-10-17. Review status: criteria provided, single submitter. Criteria: ACMG Guidelines, 2015. Collection method: clinical testing. Allele origin: germline.
Comment: The EMC10 c.551C>G variant is predicted to result in the amino acid substitution p.Ser184Trp. To our knowledge, this variant has not been reported in the literature. This variant is reported in 0.00097% of alleles in individuals of European (Non-Finnish) descent in gnomAD v2 (as displayed in the table above). However, in gnomAD v4 (available only on GRCh38), this variant is reported in 0.01% of alleles in a subpopulation, including 1 homozygote. At this time, the clinical significance of this variant is uncertain due to the absence of conclusive functional and genetic evidence.

Ambry Genetics
Classification: Uncertain significance for Inborn genetic diseases. Last evaluated: 2025-02-12. Review status: criteria provided, single submitter. Criteria: Ambry Variant Classification Scheme 2023. Collection method: clinical testing. Allele origin: germline.